The following is an entry in ClinVar:

NM_000368.5(TSC1):c.232G>C (p.Glu78Gln)

Gene: TSC1 (TSC complex subunit 1; minus strand). Cytogenetic location: 9q34.13.
Variant type: single nucleotide variant.
Coding change: c.232G>C on transcript NM_000368.5 (MANE Select); coding-DNA position 232, G replaced by C.
Protein change: p.Glu78Gln; replaces glutamic acid 78 with glutamine.
Molecular consequence: missense variant. On other transcripts: 5 prime UTR variant (1), intron variant (1).
Genome position (GRCh38, 1-based): chr9:132,925,718, C>G on the plus strand (G>C on the coding strand, the complement: TSC1 is on the minus strand). VCF-style: chr9-132925718-C-G. GRCh37 (hg19) VCF-style: chr9-135801105-C-G.
Other names: c.232G>C, p.Glu78Gln (NM_001162426.2); c.-132G>C (NM_001362177.2); c.210+1483G>C (NM_001162427.2); c.232G>C (NM_000368.4); short protein forms E78Q.
Identifiers: ClinVar variation 1446378 (VCV001446378.8), dbSNP rs1588355838, ClinGen allele CA375374793.

ClinVar aggregate classification (germline): Uncertain significance. Review status: criteria provided, multiple submitters, no conflicts (2 of 4 stars). 2 submissions from 2 submitters: Uncertain significance (2). Last evaluated 2025-01-21.

Conditions:
Tuberous sclerosis 1 (TSC1). Identifiers: Orphanet 805, MedGen C1854465, MONDO:0008612, OMIM 191100.
Hereditary cancer-predisposing syndrome. Also called: Tumor predisposition; Hereditary neoplastic syndrome; Hereditary Cancer Syndrome; Neoplastic Syndromes, Hereditary. Identifiers: Orphanet 140162, MedGen C0027672, MeSH D009386, MONDO:0015356.

gnomAD v4.1: 3 of 1,614,156 alleles (0.00019%); highest among the groups gnomAD compares: Non-Finnish European, 0.00025%; no homozygotes.

Submissions (2):

Labcorp Genetics (formerly Invitae), Labcorp
Classification: Uncertain significance for Tuberous sclerosis 1. Last evaluated: 2025-01-21. Review status: criteria provided, single submitter. Criteria: Invitae Variant Classification Sherloc (09022015). Collection method: clinical testing. Allele origin: germline.
Comment: This sequence change replaces glutamic acid, which is acidic and polar, with glutamine, which is neutral and polar, at codon 78 of the TSC1 protein (p.Glu78Gln). This variant is not present in population databases (gnomAD no frequency). This variant has not been reported in the literature in individuals affected with TSC1-related conditions. ClinVar contains an entry for this variant (Variation ID: 1446378). Invitae Evidence Modeling of protein sequence and biophysical properties (such as structural, functional, and spatial information, amino acid conservation, physicochemical variation, residue mobility, and thermodynamic stability) indicates that this missense variant is not expected to disrupt TSC1 protein function with a negative predictive value of 95%. In summary, the available evidence is currently insufficient to determine the role of this variant in disease. Therefore, it has been classified as a Variant of Uncertain Significance.

Ambry Genetics
Classification: Uncertain significance for Hereditary cancer-predisposing syndrome. Last evaluated: 2023-08-03. Review status: criteria provided, single submitter. Criteria: Ambry Variant Classification Scheme 2023. Collection method: clinical testing. Allele origin: germline.
Comment: The p.E78Q variant (also known as c.232G>C), located in coding exon 3 of the TSC1 gene, results from a G to C substitution at nucleotide position 232. The glutamic acid at codon 78 is replaced by glutamine, an amino acid with highly similar properties. This amino acid position is conserved. In addition, the in silico prediction for this alteration is inconclusive. Since supporting evidence is limited at this time, the clinical significance of this alteration remains unclear.